The following is an entry in ClinVar:

NC_000022.11:g.20354857A>C

Variant type: single nucleotide variant.
Genome position: GRCh38 VCF-style: chr22-20354857-A-C. GRCh37 (hg19) VCF-style: chr22-20709147-A-C.
Identifiers: ClinVar variation 4822199 (VCV004822199.4).

ClinVar aggregate classification (germline): Likely benign (1 of 4 stars; one submission).

Submission:

CeGaT Center for Human Genetics Tuebingen
Classification: Likely benign. Last evaluated: 2026-01-01. Review status: criteria provided, single submitter. Criteria: CeGaT Center For Human Genetics Tuebingen Variant Classification Criteria Version 2. Collection method: clinical testing. Allele origin: germline. Affected: yes. Observed: 1 variant allele.
Comment: FAM230A: PM2:Supporting, BP4, BP7